The following is an entry in ClinVar:

NM_198252.3(GSN):c.1052C>G (p.Thr351Arg)

Gene: GSN (gelsolin; plus strand). Cytogenetic location: 9q33.2.
Variant type: single nucleotide variant.
Coding change: c.1052C>G on transcript NM_198252.3 (MANE Select); coding-DNA position 1052, C replaced by G.
Protein change: p.Thr351Arg; replaces threonine 351 with arginine.
Molecular consequence: missense variant.
Genome position (GRCh38, 1-based): chr9:121,318,741, C>G. VCF-style: chr9-121318741-C-G. GRCh37 (hg19) VCF-style: chr9-124081019-C-G.
Other names: c.1205C>G, p.Thr402Arg (NM_000177.5); c.1052C>G, p.Thr351Arg (NM_001127662.2, NM_001127664.2, NM_001127665.2 and 10 more transcripts); c.1160C>G, p.Thr387Arg (NM_001127663.2); c.1085C>G, p.Thr362Arg (NM_001127666.2, NM_001127667.2, NM_001353063.2 and 13 more transcripts); c.1103C>G, p.Thr368Arg (NM_001258029.2); c.1076C>G, p.Thr359Arg (NM_001258030.2); c.1124C>G, p.Thr375Arg (NM_001353076.2); c.398C>G, p.Thr133Arg (NM_001353078.2); and 1 more; short protein forms T133R, T362R, T368R, T375R, T402R, T351R, T359R, T387R.
Identifiers: ClinVar variation 2998543 (VCV002998543.4), dbSNP rs781768258, ClinGen allele CA5221130.

ClinVar aggregate classification (germline): Uncertain significance. Review status: criteria provided, multiple submitters, no conflicts (2 of 4 stars). 2 submissions from 2 submitters: Uncertain significance (2). Last evaluated 2025-04-04.

Conditions:
Inborn genetic diseases. Identifiers: MedGen C0950123, MeSH D030342.

Allele frequency attached by ClinVar (database versions not stated): TOPMed 0.00001; gnomAD exomes 0.00001; ExAC 0.00002.
gnomAD v4.1: 6 of 1,613,432 alleles (0.00037%); highest among the groups gnomAD compares: East Asian, 0.0045%; no homozygotes.

Submissions (2):

Ambry Genetics
Classification: Uncertain significance for Inborn genetic diseases. Last evaluated: 2025-04-04. Review status: criteria provided, single submitter. Criteria: Ambry Variant Classification Scheme 2023. Collection method: clinical testing. Allele origin: germline.

Labcorp Genetics (formerly Invitae), Labcorp
Classification: Uncertain significance. Last evaluated: 2025-02-07. Review status: criteria provided, single submitter. Criteria: Invitae Variant Classification Sherloc (09022015). Collection method: clinical testing. Allele origin: germline.
Comment: This sequence change replaces threonine, which is neutral and polar, with arginine, which is basic and polar, at codon 402 of the GSN protein (p.Thr402Arg). This variant is present in population databases (rs781768258, gnomAD 0.01%). This variant has not been reported in the literature in individuals affected with GSN-related conditions. ClinVar contains an entry for this variant (Variation ID: 2998543). Invitae Evidence Modeling of protein sequence and biophysical properties (such as structural, functional, and spatial information, amino acid conservation, physicochemical variation, residue mobility, and thermodynamic stability) has been performed for this missense variant. However, the output from this modeling did not meet the statistical confidence thresholds required to predict the impact of this variant on GSN protein function. In summary, the available evidence is currently insufficient to determine the role of this variant in disease. Therefore, it has been classified as a Variant of Uncertain Significance.